The following is an entry in ClinVar:

ClinVar aggregate classification (germline): Pathogenic (1 of 4 stars; one submission).

Conditions:
Immunodeficiency, common variable, 7. Identifiers: Orphanet 1572, Orphanet 696894, MedGen C3542922, MONDO:0013862, OMIM 614699.

Submission:

Labcorp Genetics (formerly Invitae), Labcorp
Classification: Pathogenic for Immunodeficiency, common variable, 7. Last evaluated: 2022-09-19. Review status: criteria provided, single submitter. Criteria: Invitae Variant Classification Sherloc (09022015). Collection method: clinical testing. Allele origin: germline.
Comment: ClinVar contains an entry for this variant (Variation ID: 576464). This variant has not been reported in the literature in individuals affected with CR2-related conditions. This variant is not present in population databases (gnomAD no frequency). This sequence change creates a premature translational stop signal (p.Tyr554Valfs*4) in the CR2 gene. It is expected to result in an absent or disrupted protein product. Loss-of-function variants in CR2 are known to be pathogenic (PMID: 26325596, 28499783). For these reasons, this variant has been classified as Pathogenic.

Literature cited by the submitters: PubMed 26325596; PubMed 28499783.

NM_001006658.3(CR2):c.1659_1660insG (p.Tyr554fs)

Gene: CR2 (complement C3d receptor 2; plus strand). Cytogenetic location: 1q32.2.
Variant type: Insertion.
Coding change: c.1659_1660insG on transcript NM_001006658.3 (MANE Select); coding-DNA positions 1659 to 1660, G inserted.
Protein change: p.Tyr554fs; shifts the reading frame from tyrosine 554.
Molecular consequence: frameshift variant.
Genome position: GRCh38 VCF-style: chr1-207472860-T-TG. GRCh37 (hg19) VCF-style: chr1-207646205-T-TG.
Other names: c.1659_1660insG, p.Tyr554fs (NM_001877.5); short protein forms Y554fs.
Identifiers: ClinVar variation 576464 (VCV000576464.8), dbSNP rs1558192723, ClinGen allele CA891842873.